The following is an entry in ClinVar:

NM_001347721.2(DYRK1A):c.1072-3C>G

Gene: DYRK1A (dual specificity tyrosine phosphorylation regulated kinase 1A; plus strand). Cytogenetic location: 21q22.13.
Variant type: single nucleotide variant.
Coding change: c.1072-3C>G on transcript NM_001347721.2 (MANE Select); 3 bases into the intron before coding-DNA position 1072, C replaced by G.
Molecular consequence: intron variant.
Genome position (GRCh38, 1-based): chr21:37,496,115, C>G. VCF-style: chr21-37496115-C-G. GRCh37 (hg19) VCF-style: chr21-38868417-C-G.
Other names: c.1099-3C>G (NM_001396.5, NM_101395.2, NM_130438.2); c.1072-3C>G (NM_001347722.2, NM_130436.2); c.985-3C>G (NM_001347723.2).
Identifiers: ClinVar variation 2636250 (VCV002636250.1), dbSNP rs754137616, ClinGen allele CA2695201456.

ClinVar aggregate classification (germline): Uncertain significance (1 of 4 stars; one submission).

Conditions:
DYRK1A-related disorder.

Submission:

PreventionGenetics, part of Exact Sciences
Classification: Uncertain significance for DYRK1A-related condition. Last evaluated: 2022-11-09. Review status: criteria provided, single submitter. Criteria: ACMG Guidelines, 2015. Collection method: clinical testing. Allele origin: germline.
Comment: The DYRK1A c.1099-3C>G variant is predicted to interfere with splicing. This variant is predicted to alter splicing based on available splicing prediction programs (Alamut Visual Plus v1.6.1). However, the use of computer prediction programs is not equivalent to functional evidence. To our knowledge, this variant has not been reported in the literature or in a large population database, indicating this variant is rare. At this time, the clinical significance of this variant is uncertain due to the absence of conclusive functional and genetic evidence.